The following is an entry in ClinVar:

NM_020964.3(EPG5):c.2373C>T (p.Asp791=)

Gene: EPG5 (ectopic P-granules 5 autophagy tethering factor; minus strand). Cytogenetic location: 18q21.1.
Variant type: single nucleotide variant.
Coding change: c.2373C>T on transcript NM_020964.3 (MANE Select); coding-DNA position 2373, C replaced by T.
Protein change: p.Asp791=; no amino-acid change (aspartic acid 791 retained).
Molecular consequence: synonymous variant.
Genome position (GRCh38, 1-based): chr18:45,930,715, G>A on the plus strand (C>T on the coding strand, the complement: EPG5 is on the minus strand). VCF-style: chr18-45930715-G-A. GRCh37 (hg19) VCF-style: chr18-43510681-G-A.
Other names: c.2373C>T, p.Asp791= (LRG_1234t1).
Identifiers: ClinVar variation 548536 (VCV000548536.17), dbSNP rs552419530, ClinGen allele CA8949449.

ClinVar aggregate classification (germline): Conflicting classifications of pathogenicity. Review status: criteria provided, conflicting classifications (1 of 4 stars). 4 submissions from 4 submitters: Uncertain significance (1); Likely benign (2). 1 of the submissions does not count toward it. Last evaluated 2025-09-10.

Conditions:
Vici syndrome (VICIS). Identifiers: Orphanet 1493, MedGen C1855772, MONDO:0009452, OMIM 242840.
EPG5-related disorder. Also called: EPG5-related condition. Identifiers: MedGen CN381528.

Allele frequency attached by ClinVar (database versions not stated): TOPMed 0.00003; gnomAD 0.00005 and 0.00009; gnomAD exomes 0.00008 and 0.00019; ExAC 0.00022; 1000 Genomes Project 0.00040; 1000 Genomes Project 30x 0.00047.
gnomAD v4.1: 134 of 1,604,344 alleles (0.0084%); highest among the groups gnomAD compares: South Asian, 0.13%; 1 homozygote.

Submissions (4):

Labcorp Genetics (formerly Invitae), Labcorp
Classification: Likely benign for Vici syndrome. Last evaluated: 2025-09-10. Review status: criteria provided, single submitter. Criteria: Invitae Variant Classification Sherloc (09022015). Collection method: clinical testing. Allele origin: germline.

Blueprint Genetics
Classification: Likely benign. Last evaluated: 2021-11-19. Review status: criteria provided, single submitter. Criteria: ACMG Guidelines, 2015. Collection method: clinical testing. Allele origin: germline.

Genomic Research Center, Shahid Beheshti University of Medical Sciences
Classification: Uncertain significance for Vici syndrome. Last evaluated: 2018-03-05. Review status: criteria provided, single submitter. Criteria: ACMG Guidelines, 2015. Collection method: clinical testing. Allele origin: inherited. Affected: no. Observed: 1 variant allele.

PreventionGenetics, part of Exact Sciences
Classification: Likely benign for EPG5-related condition. Last evaluated: 2019-02-22. Review status: no assertion criteria provided. Collection method: clinical testing. Allele origin: germline. Not counted in ClinVar's aggregate classification.
Comment: This variant is classified as likely benign based on ACMG/AMP sequence variant interpretation guidelines (Richards et al. 2015 PMID: 25741868, with internal and published modifications).